The following is an entry in ClinVar:

NM_004985.5(KRAS):c.543_545del (p.Lys182del)

Gene: KRAS (KRas proto-oncogene, GTPase; minus strand). Cytogenetic location: 12p12.1.
Variant type: Deletion.
Coding change: c.543_545del on transcript NM_004985.5 (MANE Select); coding-DNA positions 543 to 545, 3 bases deleted (AAA; older notation c.543_545delAAA).
Protein change: p.Lys182del; deletes lysine 182.
Molecular consequence: 3 prime UTR variant (on NM_001369786.1).
Genome position (GRCh38, 1-based): chr12:25,209,817-25,209,819, TTT deleted on the plus strand (AAA on the coding strand, the reverse complement: KRAS is on the minus strand). VCF-style (leftmost placement, unchanged base first): chr12-25209816-CTTT-C. GRCh37 (hg19) VCF-style: chr12-25362750-CTTT-C.
Other names: c.*97_*99del (NM_001369786.1, NM_033360.4); c.543_545del, p.Lys182del (NM_001369787.1); short protein forms K182del.
Identifiers: ClinVar variation 4849264 (VCV004849264.3).
Genomic context (GRCh38, chr12:25,209,816, plus strand): 5'-TTGTACTAGTATGCCTTAAGAAAAAAGTACAAATTGTATTTACATAATTACACACTTTGT[CTTT>C]GACTTCTTTTTCTTCTTTTTACCATCTTTGCTCATCTTTTCTTTATGTTTTCGAATTTCT-3'

ClinVar aggregate classification (germline): Uncertain significance. Review status: criteria provided, single submitter (1 of 4 stars). 2 submissions from 2 submitters: Uncertain significance (1). 1 of the submissions does not count toward it. Last evaluated 2026-04-20.

Conditions:
Noonan syndrome 3 (NS3). Also called: KRAS-Related Noonan Syndrome. Identifiers: Orphanet 648, MedGen C1860991, MONDO:0012371, OMIM 609942.

Submissions (2):

Dasa
Classification: Uncertain significance. Last evaluated: 2026-04-20. Review status: criteria provided, single submitter. Criteria: DASA Assertion Criteria. Collection method: clinical testing. Allele origin: germline.
Comment: NM_004985.5(KRAS):c.543_545del (p.Lys182del) is an in-frame deletion predicted to remove lysine at protein position 182 without shifting the reading frame. This variant is absent from population databases. The currently available literature and clinical evidence are not sufficient to establish a definitive association between this variant and the reported condition. Therefore, this variant is classified as a variant of uncertain significance.

Molecular Genetics Laboratory, BC Children's and BC Women's Hospitals
Classification: Uncertain significance for Noonan syndrome 3. Last evaluated: 2026-02-24. Review status: no assertion criteria provided. Criteria: ACMG Guidelines, 2015. Collection method: clinical testing. Allele origin: unknown. Affected: yes. Not counted in ClinVar's aggregate classification.